The following is an entry in ClinVar:

NM_001136035.4(TRMT1):c.488C>A (p.Ser163Ter)

Gene: TRMT1 (tRNA methyltransferase 1; minus strand). Cytogenetic location: 19p13.13.
Variant type: single nucleotide variant.
Coding change: c.488C>A on transcript NM_001136035.4 (MANE Select); coding-DNA position 488, C replaced by A.
Protein change: p.Ser163Ter; replaces serine 163 with a stop codon.
Molecular consequence: nonsense. On other transcripts: 5 prime UTR variant (1).
Genome position (GRCh38, 1-based): chr19:13,115,432, G>T on the plus strand (C>A on the coding strand, the complement: TRMT1 is on the minus strand). VCF-style: chr19-13115432-G-T. GRCh37 (hg19) VCF-style: chr19-13226246-G-T.
Other names: c.488C>A, p.Ser163Ter (NM_001142554.3, NM_001351760.2, NM_017722.5); c.380C>A, p.Ser127Ter (NM_001351761.2); c.-283C>A (NM_001351762.2); short protein forms S127*, S163*.
Identifiers: ClinVar variation 4991664 (VCV004991664.1).

ClinVar aggregate classification (germline): Likely pathogenic (1 of 4 stars; one submission).

Conditions:
TRMT1-related disorder. Also called: TRMT1-related condition.

Submission:

PreventionGenetics, part of Exact Sciences
Classification: Likely pathogenic for TRMT1-related condition. Last evaluated: 2026-06-17. Review status: criteria provided, single submitter. Criteria: ACMG Guidelines, 2015. Collection method: clinical testing. Allele origin: germline.
Comment: The TRMT1 c.488C>A variant is predicted to result in premature protein termination (p.Ser163*). To our knowledge, this variant has not been reported in the literature or in a large population database (gnomAD), indicating this variant is rare. Nonsense variants in TRMT1 are expected to be pathogenic. This variant is interpreted as likely pathogenic.